The following is an entry in ClinVar:

ClinVar aggregate classification (germline): Uncertain significance. Review status: criteria provided, multiple submitters, no conflicts (2 of 4 stars). 2 submissions from 2 submitters: Uncertain significance (2). Last evaluated 2026-07-30.

Conditions:
DCC-related disorder. Also called: DCC-related condition.

gnomAD v4.1: 1 of 1,613,920 alleles (0.000062%); highest among the groups gnomAD compares: Non-Finnish European, 0.000085%; no homozygotes.

Submissions (2):

GeneDx
Classification: Uncertain significance. Last evaluated: 2026-07-30. Review status: criteria provided, single submitter. Criteria: GeneDx Variant Classification Process June 2021. Collection method: clinical testing. Allele origin: germline.
Comment: Not observed at significant frequency in large population cohorts (gnomAD); In silico analysis supports that this missense variant has a deleterious effect on protein structure/function; Has not been previously published as pathogenic or benign to our knowledge

PreventionGenetics, part of Exact Sciences
Classification: Uncertain significance for DCC-related condition. Last evaluated: 2025-07-10. Review status: criteria provided, single submitter. Criteria: ACMG Guidelines, 2015. Collection method: clinical testing. Allele origin: germline.
Comment: The DCC c.3446G>T variant is predicted to result in the amino acid substitution p.Arg1149Leu. To our knowledge, this variant has not been reported in the literature. This variant is reported in 0.0% of alleles in individuals of African descent in gnomAD. At this time, the clinical significance of this variant is uncertain due to the absence of conclusive functional and genetic evidence.

NM_005215.4(DCC):c.3446G>T (p.Arg1149Leu)

Gene: DCC (DCC netrin 1 receptor; plus strand). Cytogenetic location: 18q21.2.
Variant type: single nucleotide variant.
Coding change: c.3446G>T on transcript NM_005215.4 (MANE Select); coding-DNA position 3446, G replaced by T.
Protein change: p.Arg1149Leu; replaces arginine 1149 with leucine.
Molecular consequence: missense variant.
Genome position (GRCh38, 1-based): chr18:53,459,285, G>T. VCF-style: chr18-53459285-G-T. GRCh37 (hg19) VCF-style: chr18-50985655-G-T.
Other names: short protein forms R1149L.
Identifiers: ClinVar variation 3253526 (VCV003253526.3), dbSNP rs777902051.